The following is an entry in ClinVar:

NM_001276270.2(MBD4):c.1259-15A>G

Gene: MBD4 (methyl-CpG binding domain 4, DNA glycosylase; minus strand). Cytogenetic location: 3q21.3.
Variant type: single nucleotide variant.
Coding change: c.1259-15A>G on transcript NM_001276270.2 (MANE Select); 15 bases into the intron before coding-DNA position 1259, A replaced by G.
Molecular consequence: intron variant.
Genome position (GRCh38, 1-based): chr3:129,433,999, T>C on the plus strand (A>G on the coding strand, the complement: MBD4 is on the minus strand). VCF-style: chr3-129433999-T-C. GRCh37 (hg19) VCF-style: chr3-129152842-T-C.
Other names: c.323-15A>G (NM_001276273.2); c.1277-15A>G (NM_001276272.2, NM_003925.3, NM_001276271.2).
Identifiers: ClinVar variation 3699812 (VCV003699812.3).
Genomic context (GRCh38, chr3:129,433,999, plus strand): 5'-GGAGGTGTCCATTTCTTAAAGGCTTTACGTCGTGGGGGGCTAAGAGCTAAACAAACATAG[T>C]GCATCAGAATTGAAAACCCAAAATGGAATTAGAATTTGCTGTTCTGATTGGGAAAGGGAT-3'

ClinVar aggregate classification (germline): Likely benign. Review status: criteria provided, multiple submitters, no conflicts (2 of 4 stars). 2 submissions from 2 submitters: Likely benign (2). Last evaluated 2026-06-09.

Conditions:
Tumor predisposition syndrome 2 (TPDS2). Also called: MBD4-Related Tumor Predisposition Syndrome; MBD4-associated neoplasia syndrome (MANS); MBD4-ASSOCIATED NEOPLASIA SYNDROME. Identifiers: Orphanet 661526, MedGen C5774186, MONDO:0859267, OMIM 619975.

Submissions (2):

Myriad Genetics, Inc.
Classification: Likely benign for Tumor predisposition syndrome 2. Last evaluated: 2026-06-09. Review status: criteria provided, single submitter. Criteria: Myriad Autosomal Dominant, Autosomal Recessive and X-Linked Classification Criteria (2023). Collection method: clinical testing. Allele origin: unknown.
Comment: This variant is considered likely benign. This variant is intronic and is not expected to impact mRNA splicing.

Labcorp Genetics (formerly Invitae), Labcorp
Classification: Likely benign. Last evaluated: 2025-09-22. Review status: criteria provided, single submitter. Criteria: Invitae Variant Classification Sherloc (09022015). Collection method: clinical testing. Allele origin: germline.